The following is an entry in ClinVar:

ClinVar aggregate classification (germline): Uncertain significance. Review status: criteria provided, multiple submitters, no conflicts (2 of 4 stars). 2 submissions from 2 submitters: Uncertain significance (2). Last evaluated 2024-11-04.

gnomAD v4.1: 2 of 1,614,110 alleles (0.00012%); highest among the groups gnomAD compares: Non-Finnish European, 0.00017%; no homozygotes.

Submissions (2):

Mayo Clinic Laboratories, Mayo Clinic
Classification: Uncertain significance. Last evaluated: 2024-11-04. Review status: criteria provided, single submitter. Criteria: ACMG Guidelines, 2015. Collection method: clinical testing. Allele origin: germline. Observed: 1 variant allele.
Comment: PP2, PM1, PM2_supporting

Blueprint Genetics
Classification: Uncertain significance. Last evaluated: 2024-03-26. Review status: criteria provided, single submitter. Criteria: ACMG Guidelines, 2015. Collection method: clinical testing. Allele origin: germline.

NM_002473.6(MYH9):c.950A>G (p.Asp317Gly)

Gene: MYH9 (myosin heavy chain 9; minus strand). Cytogenetic location: 22q12.3.
Variant type: single nucleotide variant.
Coding change: c.950A>G on transcript NM_002473.6 (MANE Select); coding-DNA position 950, A replaced by G.
Protein change: p.Asp317Gly; replaces aspartic acid 317 with glycine.
Molecular consequence: missense variant.
Genome position (GRCh38, 1-based): chr22:36,320,282, T>C on the plus strand (A>G on the coding strand, the complement: MYH9 is on the minus strand). VCF-style: chr22-36320282-T-C. GRCh37 (hg19) VCF-style: chr22-36716327-T-C.
Other names: p.Asp317Gly; short protein forms D317G.
Identifiers: ClinVar variation 4542449 (VCV004542449.2).
Genomic context (GRCh38, chr22:36,320,282, plus strand): 5'-ATTTGCTCCTCTTCTGGGATGCCCATAATCCTCATGGCCTCCATGGTCTCCTGGAACATG[T>C]CCTTGTCCTGCTGCCCGGGGATGGTGACGTGTCCATTGGACAGGAAGCGGTATTTGTTGT-3'
Protein context (NP_002464.1, residues 307-327): HVTIPGQQDK[Asp317Gly]MFQETMEAMR